The following is an entry in ClinVar:

NM_024426.6(WT1):c.1032C>T (p.Tyr344=)

Gene: WT1 (WT1 transcription factor; minus strand). Cytogenetic location: 11p13.
Variant type: single nucleotide variant.
Coding change: c.1032C>T on transcript NM_024426.6 (MANE Select); coding-DNA position 1032, C replaced by T.
Protein change: p.Tyr344=; no amino-acid change (tyrosine 344 retained).
Molecular consequence: synonymous variant. On other transcripts: 5 prime UTR variant (1), non-coding transcript variant (2).
Genome position (GRCh38, 1-based): chr11:32,400,029, G>A on the plus strand (C>T on the coding strand, the complement: WT1 is on the minus strand). VCF-style: chr11-32400029-G-A. GRCh37 (hg19) VCF-style: chr11-32421575-G-A.
Other names: c.981C>T, p.Tyr327= (NM_000378.6, NM_001407045.1, NM_001407048.1 and 1 more transcripts); c.381C>T, p.Tyr127= (NM_001198551.2); c.330C>T, p.Tyr110= (NM_001198552.2); c.-157C>T (NM_001367854.1); c.1026C>T, p.Tyr342= (NM_001407044.1); c.1032C>T, p.Tyr344= (NM_001407046.1, NM_024424.5); c.909C>T, p.Tyr303= (NM_001407047.1); c.858C>T, p.Tyr286= (NM_001407050.1); and 2 more.
Identifiers: ClinVar variation 765768 (VCV000765768.28), dbSNP rs1338914258, ClinGen allele CA473567349.

ClinVar aggregate classification (germline): Likely benign. Review status: criteria provided, multiple submitters, no conflicts (2 of 4 stars). 4 submissions from 4 submitters: Likely benign (4). Last evaluated 2025-02-12.

Conditions:
Inborn genetic diseases. Identifiers: MedGen C0950123, MeSH D030342.
Frasier syndrome. Identifiers: Orphanet 347, MedGen C0950122, MeSH D052159, MONDO:0007635, OMIM 136680.
Drash syndrome (DDS). Also called: NEPHROPATHY, WILMS TUMOR, AND GENITAL ANOMALIES; WILMS TUMOR AND PSEUDO- OR TRUE HERMAPHRODITISM. Identifiers: Orphanet 220, MedGen C0950121, MONDO:0008682, OMIM 194080.
Wilms tumor 1 (WT1). Also called: Wilms tumor, somatic. Identifiers: Orphanet 654, MedGen CN033288, MONDO:0008679, OMIM 194070.
11p partial monosomy syndrome (WAGR). Also called: WAGR Spectrum Disorder; WAGR Complex; CHROMOSOME 11p13 DELETION SYNDROME; WAGR syndrome. Identifiers: Orphanet 893, MedGen C0206115, MONDO:0008681, OMIM 194072.

Submissions (4):

Ambry Genetics
Classification: Likely benign for Inborn genetic diseases. Last evaluated: 2025-02-12. Review status: criteria provided, single submitter. Criteria: Ambry Variant Classification Scheme 2023. Collection method: clinical testing. Allele origin: germline.

Blueprint Genetics
Classification: Likely benign. Last evaluated: 2024-10-16. Review status: criteria provided, single submitter. Criteria: ACMG Guidelines, 2015. Collection method: clinical testing. Allele origin: germline.

CeGaT Center for Human Genetics Tuebingen
Classification: Likely benign. Last evaluated: 2024-10-01. Review status: criteria provided, single submitter. Criteria: CeGaT Center For Human Genetics Tuebingen Variant Classification Criteria Version 2. Collection method: clinical testing. Allele origin: germline. Affected: yes. Observed: 1 variant allele.
Comment: WT1: PM2:Supporting, BP4, BP7

Labcorp Genetics (formerly Invitae), Labcorp
Classification: Likely benign for Wilms tumor 1; Drash syndrome; 11p partial monosomy syndrome; Frasier syndrome. Last evaluated: 2023-09-05. Review status: criteria provided, single submitter. Criteria: Invitae Variant Classification Sherloc (09022015). Collection method: clinical testing. Allele origin: germline.